The following is an entry in ClinVar:

NM_001197104.2(KMT2A):c.6313T>G (p.Phe2105Val)

Gene: KMT2A (lysine methyltransferase 2A; plus strand). Cytogenetic location: 11q23.3.
Variant type: single nucleotide variant.
Coding change: c.6313T>G on transcript NM_001197104.2 (MANE Select); coding-DNA position 6313, T replaced by G.
Protein change: p.Phe2105Val; replaces phenylalanine 2105 with valine.
Molecular consequence: missense variant.
Genome position (GRCh38, 1-based): chr11:118,501,141, T>G. VCF-style: chr11-118501141-T-G. GRCh37 (hg19) VCF-style: chr11-118371856-T-G.
Other names: c.6403T>G, p.Phe2135Val (NM_001412597.1); c.6304T>G, p.Phe2102Val (NM_005933.4); short protein forms F2105V, F2135V, F2102V.
Identifiers: ClinVar variation 2872110 (VCV002872110.3), dbSNP rs1247711394, ClinGen allele CA382801347.

ClinVar aggregate classification (germline): Uncertain significance (1 of 4 stars; one submission).

Allele frequency attached by ClinVar (database versions not stated): gnomAD 0.00001; TOPMed 0.00002.
gnomAD v4.1: 2 of 1,613,402 alleles (0.00012%); highest among the groups gnomAD compares: African/African-American, 0.0013%; no homozygotes.

Submission:

Labcorp Genetics (formerly Invitae), Labcorp
Classification: Uncertain significance. Last evaluated: 2024-09-30. Review status: criteria provided, single submitter. Criteria: Invitae Variant Classification Sherloc (09022015). Collection method: clinical testing. Allele origin: germline.
Comment: This sequence change replaces phenylalanine, which is neutral and non-polar, with valine, which is neutral and non-polar, at codon 2105 of the KMT2A protein (p.Phe2105Val). This variant is not present in population databases (gnomAD no frequency). This variant has not been reported in the literature in individuals affected with KMT2A-related conditions. Invitae Evidence Modeling of protein sequence and biophysical properties (such as structural, functional, and spatial information, amino acid conservation, physicochemical variation, residue mobility, and thermodynamic stability) indicates that this missense variant is not expected to disrupt KMT2A protein function with a negative predictive value of 95%. In summary, the available evidence is currently insufficient to determine the role of this variant in disease. Therefore, it has been classified as a Variant of Uncertain Significance.